The following is an entry in ClinVar:

ClinVar aggregate classification (germline): Uncertain significance (1 of 4 stars; one submission).

Conditions:
SEMA7A-related disorder. Also called: SEMA7A-related condition.

gnomAD v4.1: 64 of 1,613,644 alleles (0.004%); highest among the groups gnomAD compares: South Asian, 0.0066%; no homozygotes.

Submission:

PreventionGenetics, part of Exact Sciences
Classification: Uncertain significance for SEMA7A-related condition. Last evaluated: 2026-08-04. Review status: criteria provided, single submitter. Criteria: ACMG Guidelines, 2015. Collection method: clinical testing. Allele origin: germline.
Comment: The SEMA7A c.1421G>A variant is predicted to result in the amino acid substitution p.Arg474Gln. This variant was reported in an individual with a diagnosis of Kallman syndrome, although no second SEMA7A variant was identified and a variant was also identified in the ANOS1 (also called KAL1) gene (Känsäkoski et al. 2014. PubMed ID: 24522099). This variant is reported in 0.044% of alleles in individuals of European (Finnish) descent in gnomAD. At this time, the clinical significance of this variant is uncertain due to the absence of conclusive functional and genetic evidence.

NM_003612.5(SEMA7A):c.1421G>A (p.Arg474Gln)

Gene: SEMA7A (semaphorin 7A (JohnMiltonHagen blood group); minus strand). Cytogenetic location: 15q24.1.
Variant type: single nucleotide variant.
Coding change: c.1421G>A on transcript NM_003612.5 (MANE Select); coding-DNA position 1421, G replaced by A.
Protein change: p.Arg474Gln; replaces arginine 474 with glutamine.
Molecular consequence: missense variant.
Genome position (GRCh38, 1-based): chr15:74,411,886, C>T on the plus strand (G>A on the coding strand, the complement: SEMA7A is on the minus strand). VCF-style: chr15-74411886-C-T. GRCh37 (hg19) VCF-style: chr15-74704227-C-T.
Other names: c.1379G>A, p.Arg460Gln (NM_001146029.3); c.926G>A, p.Arg309Gln (NM_001146030.3); short protein forms R309Q, R460Q, R474Q.
Identifiers: ClinVar variation 4986501 (VCV004986501.1).